The following is an entry in ClinVar:

NM_000085.5(CLCNKB):c.1929+5C>G

Genes: CLCNKB (chloride voltage-gated channel Kb; plus strand), LOC106501713 (CLCNKB recombination region; plus strand). Cytogenetic location: 1p36.13.
Variant type: single nucleotide variant.
Coding change: c.1929+5C>G on transcript NM_000085.5 (MANE Select); 5 bases into the intron after coding-DNA position 1929, C replaced by G.
Molecular consequence: intron variant.
Genome position (GRCh38, 1-based): chr1:16,055,763, C>G. VCF-style: chr1-16055763-C-G. GRCh37 (hg19) VCF-style: chr1-16382258-C-G.
Other names: c.1419+5C>G (NM_001165945.2).
Identifiers: ClinVar variation 3767332 (VCV003767332.1).

ClinVar aggregate classification (germline): Uncertain significance (1 of 4 stars; one submission).

Conditions:
Bartter disease type 4B. Also called: BARTTER SYNDROME, TYPE 4B, NEONATAL, WITH SENSORINEURAL DEAFNESS; Bartter syndrome, type 4b, digenic; BARTTER SYNDROME, TYPE 4B. Identifiers: Orphanet 112, MedGen C4310805, MONDO:0000909, OMIM 613090.

Submission:

Wonkam Laboratory, Johns Hopkins University
Classification: Uncertain significance for Bartter disease type 4B. Last evaluated: 2024-01-06. Review status: criteria provided, single submitter. Criteria: ACMG Guidelines, 2015. Collection method: research. Allele origin: germline. Inheritance: Autosomal dominant inheritance. Affected: yes. Observed: 2 variant alleles.
Comment: This variant CLCNKB c.1929+5C>G (NM_000085.1) was found in trans in individual with recessive disorders with a pathogenic variant (PM3), the variant is absent from controls (or at extremely low frequency if recessive) in Exome Sequencing Project, 1000 Genomes Project, or Exome Aggregation Consortium (PM2)